The following is an entry in ClinVar:

NM_004380.3(CREBBP):c.3779+1G>T

Gene: CREBBP (CREB binding lysine acetyltransferase; minus strand). Cytogenetic location: 16p13.3.
Variant type: single nucleotide variant.
Coding change: c.3779+1G>T on transcript NM_004380.3 (MANE Select); the canonical splice donor site of the intron after coding-DNA position 3779, G replaced by T.
Molecular consequence: splice donor variant.
Genome position (GRCh38, 1-based): chr16:3,751,725, C>A on the plus strand (G>T on the coding strand, the complement: CREBBP is on the minus strand). VCF-style: chr16-3751725-C-A. GRCh37 (hg19) VCF-style: chr16-3801726-C-A.
Other names: c.3665+1G>T (NM_001079846.1).
Identifiers: ClinVar variation 694820 (VCV000694820.8), dbSNP rs587783483, ClinGen allele CA394567957.
Genomic context (GRCh38, chr16:3,751,725, plus strand): 5'-GGAAAAAACAATTTAAGGTCACCCTCCCTCACCCCAGAGAAAATGACAGGACGGTACTTA[C>A]GTCTGGGGCTGTGAAGGGTCGTCACCCAGGGTCACATTCTCGCCCTGGATCTCTGTGAAA-3'

ClinVar aggregate classification (germline): Pathogenic. Review status: criteria provided, multiple submitters, no conflicts (2 of 4 stars). 4 submissions from 4 submitters: Pathogenic (3). 1 of the submissions does not count toward it. Last evaluated 2023-08-18.

Conditions:
CREBBP-related disorder. Also called: CREBBP-related disorders; CREBBP-related condition.
Rubinstein-Taybi syndrome due to CREBBP mutations (RSTS1). Also called: RUBINSTEIN SYNDROME; BROAD THUMBS AND GREAT TOES, CHARACTERISTIC FACIES, AND IMPAIRED INTELLECTUAL DEVELOPMENT; CREBBP-Related Rubinstein-Taybi Syndrome; BROAD THUMB-HALLUX SYNDROME; RUBINSTEIN-TAYBI SYNDROME 1, INCOMPLETE; Rubinstein-Taybi syndrome 1. Identifiers: Orphanet 353277, Orphanet 783, MedGen C4551859, MONDO:0008393, OMIM 180849.
Rubinstein-Taybi syndrome (RSTS). Identifiers: Orphanet 783, MedGen C0035934, MONDO:0019188.

Submissions (4):

GeneDx
Classification: Pathogenic. Last evaluated: 2023-08-18. Review status: criteria provided, single submitter. Criteria: GeneDx Variant Classification Process June 2021. Collection method: clinical testing. Allele origin: germline. Affected: yes.
Comment: Canonical splice site variant predicted to result in an in-frame loss of the adjacent exon in a gene for which loss of function is a known mechanism of disease; Not observed at significant frequency in large population cohorts (gnomAD); This variant is associated with the following publications: (PMID: 29132461, 32827181, 31785789)

Labcorp Genetics (formerly Invitae), Labcorp
Classification: Pathogenic for Rubinstein-Taybi syndrome. Last evaluated: 2023-08-10. Review status: criteria provided, single submitter. Criteria: Invitae Variant Classification Sherloc (09022015). Collection method: clinical testing. Allele origin: germline.
Comment: For these reasons, this variant has been classified as Pathogenic. Algorithms developed to predict the effect of sequence changes on RNA splicing suggest that this variant may disrupt the consensus splice site. ClinVar contains an entry for this variant (Variation ID: 694820). Disruption of this splice site has been observed in individual(s) with Rubinstein-Taybi syndrome (PMID: 29132461). In at least one individual the variant was observed to be de novo. This variant is not present in population databases (gnomAD no frequency). This sequence change affects a donor splice site in intron 20 of the CREBBP gene. It is expected to disrupt RNA splicing. Variants that disrupt the donor or acceptor splice site typically lead to a loss of protein function (PMID: 16199547), and loss-of-function variants in CREBBP are known to be pathogenic (PMID: 17052327, 18792986).

PreventionGenetics, part of Exact Sciences
Classification: Pathogenic for CREBBP-related condition. Last evaluated: 2022-10-11. Review status: criteria provided, single submitter. Criteria: ACMG Guidelines, 2015. Collection method: clinical testing. Allele origin: germline.
Comment: The CREBBP c.3779+1G>T variant is predicted to disrupt the GT donor site and interfere with normal splicing. This variant has been previously reported in individuals with Rubinstein-Taybi syndrome (Li et al. 2017. PubMed ID: 29132461; Cross et al. 2020. PubMed ID: 32827181), and in an individual with developmental disorder (reported with genomic position 3801726 in Table S2, Turner et al. 2019. PubMed ID: 31785789). An alternate nucleotide change (c.3779+1G>A) has also been reported in a large cohort of individuals with Rubinstein-Taibi syndrome (Cross et al. 2020. PubMed ID: 32827181). The c.3779+1G>T variant has not been reported in a large population database, indicating this variant is rare. Variants that disrupt the consensus splice donor site in CREBBP are expected to be pathogenic. This variant is interpreted as pathogenic.

Wessex Regional Genetics Laboratory, Salisbury District Hospital
Classification: Pathogenic for Rubinstein-Taybi syndrome due to CREBBP mutations. Last evaluated: 2019-11-05. Review status: no assertion criteria provided. Criteria: ACMG Guidelines, 2015. Collection method: clinical testing. Allele origin: unknown. Inheritance: Autosomal dominant inheritance. Affected: yes. Not counted in ClinVar's aggregate classification.

Literature cited by the submitters: PubMed 29132461 (cited by Labcorp Genetics (formerly Invitae), Labcorp); PubMed 16199547 (cited by Labcorp Genetics (formerly Invitae), Labcorp); PubMed 17052327 (cited by Labcorp Genetics (formerly Invitae), Labcorp); PubMed 18792986 (cited by Labcorp Genetics (formerly Invitae), Labcorp).